The following is an entry in ClinVar:

NM_006648.4(WNK2):c.2428A>G (p.Ile810Val)

Gene: WNK2 (WNK lysine deficient protein kinase 2; plus strand). Cytogenetic location: 9q22.31.
Variant type: single nucleotide variant.
Coding change: c.2428A>G on transcript NM_006648.4 (MANE Select); coding-DNA position 2428, A replaced by G.
Protein change: p.Ile810Val; replaces isoleucine 810 with valine.
Molecular consequence: missense variant.
Genome position (GRCh38, 1-based): chr9:93,258,976, A>G. VCF-style: chr9-93258976-A-G. GRCh37 (hg19) VCF-style: chr9-96021258-A-G.
Other names: c.2428A>G, p.Ile810Val (NM_001282394.3); short protein forms I810V.
Identifiers: ClinVar variation 3816953 (VCV003816953.1).

ClinVar aggregate classification (germline): Uncertain significance (1 of 4 stars; one submission).

gnomAD v4.1: 1 of 1,612,310 alleles (0.000062%); highest among the groups gnomAD compares: Non-Finnish European, 0.000085%; no homozygotes.

Submission:

Ambry Genetics
Classification: Uncertain significance. Last evaluated: 2025-01-31. Review status: criteria provided, single submitter. Criteria: Ambry Variant Classification Scheme 2023. Collection method: clinical testing. Allele origin: germline.
Comment: The p.I810V variant (also known as c.2428A>G), located in coding exon 11 of the WNK2 gene, results from an A to G substitution at nucleotide position 2428. The isoleucine at codon 810 is replaced by valine, an amino acid with highly similar properties. This amino acid position is conserved. In addition, this alteration is predicted to be tolerated by in silico analysis. Based on the available evidence, the clinical significance of this variant remains unclear.